The following is an entry in ClinVar:

NM_022455.5(NSD1):c.5410T>A (p.Tyr1804Asn)

Genes: NSD1 (nuclear receptor binding SET domain protein 1; plus strand), LOC126807619 (MED14-independent group 3 enhancer GRCh37_chr5:176696443-176697642; plus strand). Cytogenetic location: 5q35.3.
Variant type: single nucleotide variant.
Coding change: c.5410T>A on transcript NM_022455.5 (MANE Select); coding-DNA position 5410, T replaced by A.
Protein change: p.Tyr1804Asn; replaces tyrosine 1804 with asparagine.
Molecular consequence: missense variant.
Genome position (GRCh38, 1-based): chr5:177,269,708, T>A. VCF-style: chr5-177269708-T-A. GRCh37 (hg19) VCF-style: chr5-176696709-T-A.
Other names: c.4648T>A, p.Tyr1550Asn (NM_001409306.1, NM_001409307.1); c.4537T>A, p.Tyr1513Asn (NM_001409308.1, NM_001409309.1, NM_172349.5 and 1 more transcripts); c.5410T>A, p.Tyr1804Asn (NM_001409301.1, NM_001409302.1, NM_001409303.1); c.4990T>A, p.Tyr1664Asn (NM_001409304.1); c.4657T>A, p.Tyr1553Asn (NM_001409305.1); short protein forms Y1535N, Y1804N, Y1553N, Y1664N, Y1513N, Y1550N.
Identifiers: ClinVar variation 645258 (VCV000645258.2), dbSNP rs1581497686, ClinGen allele CA362306968.

ClinVar aggregate classification (germline): Likely pathogenic (1 of 4 stars; one submission).

Conditions:
Beckwith-Wiedemann syndrome (BWS). Also called: EMG SYNDROME; Exomphalos macroglossia gigantism syndrome. Identifiers: Orphanet 116, MedGen C0004903, MONDO:0007534, OMIM 130650.

Submission:

Labcorp Genetics (formerly Invitae), Labcorp
Classification: Likely pathogenic for Beckwith-Wiedemann syndrome. Last evaluated: 2019-03-11. Review status: criteria provided, single submitter. Criteria: Invitae Variant Classification Sherloc (09022015). Collection method: clinical testing. Allele origin: germline.
Comment: This sequence change replaces tyrosine with asparagine at codon 1804 of the NSD1 protein (p.Tyr1804Asn). The tyrosine residue is moderately conserved and there is a large physicochemical difference between tyrosine and asparagine. This variant is not present in population databases (ExAC no frequency). This variant has been observed to be de novo in an individual affected with developmental delay, overgrowth, premature eruption of teeth and speech delay (Invitae). Algorithms developed to predict the effect of missense changes on protein structure and function are either unavailable or do not agree on the potential impact of this missense change (SIFT: "Deleterious"; PolyPhen-2: "Probably Damaging"; Align-GVGD: "Class C0"). In summary, the currently available evidence indicates that the variant is pathogenic, but additional data are needed to prove that conclusively. Therefore, this variant has been classified as Likely Pathogenic.